The following is an entry in ClinVar:

ClinVar aggregate classification (germline): Uncertain significance. Review status: criteria provided, multiple submitters, no conflicts (2 of 4 stars). 2 submissions from 2 submitters: Uncertain significance (2). Last evaluated 2026-06-24.

Conditions:
Inborn genetic diseases. Identifiers: MedGen C0950123, MeSH D030342.

gnomAD v4.1: 2 of 1,614,192 alleles (0.00012%); highest among the groups gnomAD compares: Non-Finnish European, 0.00017%; no homozygotes.

Submissions (2):

Ambry Genetics
Classification: Uncertain significance for Inborn genetic diseases. Last evaluated: 2026-06-24. Review status: criteria provided, single submitter. Criteria: Ambry Variant Classification Scheme 2023. Collection method: clinical testing. Allele origin: germline.

Labcorp Genetics (formerly Invitae), Labcorp
Classification: Uncertain significance. Last evaluated: 2024-10-03. Review status: criteria provided, single submitter. Criteria: Invitae Variant Classification Sherloc (09022015). Collection method: clinical testing. Allele origin: germline.
Comment: This sequence change replaces aspartic acid, which is acidic and polar, with histidine, which is basic and polar, at codon 1584 of the COL7A1 protein (p.Asp1584His). This variant is not present in population databases (gnomAD no frequency). This variant has not been reported in the literature in individuals affected with COL7A1-related conditions. Invitae Evidence Modeling of protein sequence and biophysical properties (such as structural, functional, and spatial information, amino acid conservation, physicochemical variation, residue mobility, and thermodynamic stability) has been performed for this missense variant. However, the output from this modeling did not meet the statistical confidence thresholds required to predict the impact of this variant on COL7A1 protein function. In summary, the available evidence is currently insufficient to determine the role of this variant in disease. Therefore, it has been classified as a Variant of Uncertain Significance.

NM_000094.4(COL7A1):c.4750G>C (p.Asp1584His)

Gene: COL7A1 (collagen type VII alpha 1 chain; minus strand). Cytogenetic location: 3p21.31.
Variant type: single nucleotide variant.
Coding change: c.4750G>C on transcript NM_000094.4 (MANE Select); coding-DNA position 4750, G replaced by C.
Protein change: p.Asp1584His; replaces aspartic acid 1584 with histidine.
Molecular consequence: missense variant.
Genome position (GRCh38, 1-based): chr3:48,581,605, C>G on the plus strand (G>C on the coding strand, the complement: COL7A1 is on the minus strand). VCF-style: chr3-48581605-C-G. GRCh37 (hg19) VCF-style: chr3-48619038-C-G.
Other names: short protein forms D1584H.
Identifiers: ClinVar variation 3718990 (VCV003718990.2).